The following is an entry in ClinVar:

NM_006950.3(SYN1):c.913G>A (p.Glu305Lys)

Gene: SYN1 (synapsin I; minus strand). Cytogenetic location: Xp11.3.
Variant type: single nucleotide variant.
Coding change: c.913G>A on transcript NM_006950.3 (MANE Select); coding-DNA position 913, G replaced by A.
Protein change: p.Glu305Lys; replaces glutamic acid 305 with lysine.
Molecular consequence: missense variant.
Genome position (GRCh38, 1-based): chrX:47,576,565, C>T on the plus strand (G>A on the coding strand, the complement: SYN1 is on the minus strand). VCF-style: chrX-47576565-C-T. GRCh37 (hg19) VCF-style: chrX-47435964-C-T.
Other names: c.913G>A, p.Glu305Lys (NM_133499.2); short protein forms E305K.
Identifiers: ClinVar variation 2100312 (VCV002100312.30), dbSNP rs2519686956, ClinGen allele CA412827179.

ClinVar aggregate classification (germline): Uncertain significance. Review status: criteria provided, multiple submitters, no conflicts (2 of 4 stars). 3 submissions from 3 submitters: Uncertain significance (3). Last evaluated 2025-10-17.

Conditions:
Epilepsy, X-linked 1, with variable learning disabilities and behavior disorders. Also called: X-linked epilepsy-learning disabilities-behavior disorders syndrome. Identifiers: Orphanet 85294, MedGen C5774177, MONDO:0010339, OMIM 300491.

Submissions (3):

GeneDx
Classification: Uncertain significance. Last evaluated: 2025-10-17. Review status: criteria provided, single submitter. Criteria: GeneDx Variant Classification Process June 2021. Collection method: clinical testing. Allele origin: germline.
Comment: Not observed at significant frequency in large population cohorts (gnomAD); In silico analysis supports that this missense variant has a deleterious effect on protein structure/function; Has not been previously published as pathogenic or benign to our knowledge

CeGaT Center for Human Genetics Tuebingen
Classification: Uncertain significance. Last evaluated: 2022-03-01. Review status: criteria provided, single submitter. Criteria: CeGaT Center For Human Genetics Tuebingen Variant Classification Criteria Version 2. Collection method: clinical testing. Allele origin: germline. Affected: yes. Observed: 1 variant allele.
Comment: SYN1: PM2

Labcorp Genetics (formerly Invitae), Labcorp
Classification: Uncertain significance for Epilepsy, X-linked 1, with variable learning disabilities and behavior disorders. Last evaluated: 2022-02-20. Review status: criteria provided, single submitter. Criteria: Invitae Variant Classification Sherloc (09022015). Collection method: clinical testing. Allele origin: germline.
Comment: This variant is not present in population databases (gnomAD no frequency). This sequence change replaces glutamic acid, which is acidic and polar, with lysine, which is basic and polar, at codon 305 of the SYN1 protein (p.Glu305Lys). This variant has not been reported in the literature in individuals affected with SYN1-related conditions. Algorithms developed to predict the effect of missense changes on protein structure and function are either unavailable or do not agree on the potential impact of this missense change (SIFT: "Deleterious"; PolyPhen-2: "Probably Damaging"; Align-GVGD: "Class C0"). In summary, the available evidence is currently insufficient to determine the role of this variant in disease. Therefore, it has been classified as a Variant of Uncertain Significance.